The following is an entry in ClinVar:

ClinVar aggregate classification (germline): Likely benign. Review status: criteria provided, multiple submitters, no conflicts (2 of 4 stars). 2 submissions from 2 submitters: Likely benign (2). Last evaluated 2025-03-24.

Conditions:
Colorectal cancer, susceptibility to, 12 (CRCS12). Also called: COLORECTAL CANCER, SUSCEPTIBILITY TO, ON CHROMOSOME 12q24. Identifiers: Orphanet 220460, MedGen C3554460, MONDO:0014038, OMIM 615083.

gnomAD v4.1: 2 of 1,565,360 alleles (0.00013%); highest among the groups gnomAD compares: South Asian, 0.0011%; no homozygotes.

Submissions (2):

Labcorp Genetics (formerly Invitae), Labcorp
Classification: Likely benign. Last evaluated: 2025-03-24. Review status: criteria provided, single submitter. Criteria: Invitae Variant Classification Sherloc (09022015). Collection method: clinical testing. Allele origin: germline.

Myriad Genetics, Inc.
Classification: Likely benign for Colorectal cancer, susceptibility to, 12. Last evaluated: 2025-02-10. Review status: criteria provided, single submitter. Criteria: Myriad Autosomal Dominant, Autosomal Recessive and X-Linked Classification Criteria (2023). Collection method: clinical testing. Allele origin: unknown.
Comment: This variant is considered likely benign. This variant is intronic and is not expected to impact mRNA splicing.

NM_006231.4(POLE):c.1020+9G>T

Gene: POLE (DNA polymerase epsilon, catalytic subunit; minus strand). Cytogenetic location: 12q24.33.
Variant type: single nucleotide variant.
Coding change: c.1020+9G>T on transcript NM_006231.4 (MANE Select); 9 bases into the intron after coding-DNA position 1020, G replaced by T.
Molecular consequence: intron variant.
Genome position (GRCh38, 1-based): chr12:132,676,085, C>A on the plus strand (G>T on the coding strand, the complement: POLE is on the minus strand). VCF-style: chr12-132676085-C-A. GRCh37 (hg19) VCF-style: chr12-133252671-C-A.
Identifiers: ClinVar variation 1647362 (VCV001647362.9), dbSNP rs2043044180, ClinGen allele CA2073003177.